The following is an entry in ClinVar:

NM_001128840.3(CACNA1D):c.1517G>A (p.Arg506His)

Gene: CACNA1D (calcium voltage-gated channel subunit alpha1 D; plus strand). Cytogenetic location: 3p21.1.
Variant type: single nucleotide variant.
Coding change: c.1517G>A on transcript NM_001128840.3 (MANE Select); coding-DNA position 1517, G replaced by A.
Protein change: p.Arg506His; replaces arginine 506 with histidine.
Molecular consequence: missense variant.
Genome position (GRCh38, 1-based): chr3:53,722,325, G>A. VCF-style: chr3-53722325-G-A. GRCh37 (hg19) VCF-style: chr3-53756352-G-A.
Other names: c.1577G>A, p.Arg526His (NM_000720.4); c.1517G>A, p.Arg506His (NM_001128839.3); short protein forms R526H, R506H.
Identifiers: ClinVar variation 1402334 (VCV001402334.10), dbSNP rs141239749, ClinGen allele CA2454024.

ClinVar aggregate classification (germline): Uncertain significance. Review status: criteria provided, multiple submitters, no conflicts (2 of 4 stars). 2 submissions from 2 submitters: Uncertain significance (2). Last evaluated 2026-01-14.

Allele frequency attached by ClinVar (database versions not stated): gnomAD exomes 0.00003 and 0.00005; ExAC 0.00005; gnomAD 0.00005 and 0.00006; TOPMed 0.00005; ESP Exome Variant Server 0.00015.
gnomAD v4.1: 84 of 1,614,054 alleles (0.0052%); highest among the groups gnomAD compares: Non-Finnish European, 0.006%; no homozygotes.

Submissions (2):

Labcorp Genetics (formerly Invitae), Labcorp
Classification: Uncertain significance. Last evaluated: 2026-01-14. Review status: criteria provided, single submitter. Criteria: Invitae Variant Classification Sherloc (09022015). Collection method: clinical testing. Allele origin: germline.
Comment: This sequence change replaces arginine, which is basic and polar, with histidine, which is basic and polar, at codon 526 of the CACNA1D protein (p.Arg526His). The frequency data for this variant in the population databases is considered unreliable, as metrics indicate poor data quality at this position in the gnomAD database. This variant has not been reported in the literature in individuals affected with CACNA1D-related conditions. ClinVar contains an entry for this variant (Variation ID: 1402334). Invitae Evidence Modeling of protein sequence and biophysical properties (such as structural, functional, and spatial information, amino acid conservation, physicochemical variation, residue mobility, and thermodynamic stability) indicates that this missense variant is not expected to disrupt CACNA1D protein function with a negative predictive value of 80%. In summary, the available evidence is currently insufficient to determine the role of this variant in disease. Therefore, it has been classified as a Variant of Uncertain Significance.

Revvity Omics, Revvity
Classification: Uncertain significance. Last evaluated: 2023-07-29. Review status: criteria provided, single submitter. Criteria: ACMG Guidelines, 2015. Collection method: clinical testing. Allele origin: germline.